The following is an entry in ClinVar:

NM_006343.3(MERTK):c.535A>G (p.Ile179Val)

Gene: MERTK (MER proto-oncogene, tyrosine kinase; plus strand). Cytogenetic location: 2q13.
Variant type: single nucleotide variant.
Coding change: c.535A>G on transcript NM_006343.3 (MANE Select); coding-DNA position 535, A replaced by G.
Protein change: p.Ile179Val; replaces isoleucine 179 with valine.
Molecular consequence: missense variant.
Genome position (GRCh38, 1-based): chr2:111,945,012, A>G. VCF-style: chr2-111945012-A-G. GRCh37 (hg19) VCF-style: chr2-112702589-A-G.
Other names: short protein forms I179V.
Identifiers: ClinVar variation 1511256 (VCV001511256.6), dbSNP rs1020886089, ClinGen allele CA53569828.
Genomic context (GRCh38, chr2:111,945,012, plus strand): 5'-CTTTGCAGCATAACCAGTGTGCAGCGTTCAGACAATGGGTCGTATATCTGTAAGATGAAA[A>G]TAAACAATGAAGAGATCGTGTCTGATCCCATCTACATCGAAGTACAAGGTAAGTCCACAG-3'
Protein context (NP_006334.2, residues 169-189): DNGSYICKMK[Ile179Val]NNEEIVSDPI

ClinVar aggregate classification (germline): Uncertain significance (1 of 4 stars; one submission).

Allele frequency attached by ClinVar (database versions not stated): gnomAD exomes below 0.00001.
gnomAD v4.1: 1 of 1,613,870 alleles (0.000062%); highest among the groups gnomAD compares: Non-Finnish European, 0.000085%; no homozygotes.

Submission:

Labcorp Genetics (formerly Invitae), Labcorp
Classification: Uncertain significance. Last evaluated: 2025-09-08. Review status: criteria provided, single submitter. Criteria: Invitae Variant Classification Sherloc (09022015). Collection method: clinical testing. Allele origin: germline.
Comment: This sequence change replaces isoleucine, which is neutral and non-polar, with valine, which is neutral and non-polar, at codon 179 of the MERTK protein (p.Ile179Val). This variant is not present in population databases (gnomAD no frequency). This variant has not been reported in the literature in individuals affected with MERTK-related conditions. ClinVar contains an entry for this variant (Variation ID: 1511256). Invitae Evidence Modeling of protein sequence and biophysical properties (such as structural, functional, and spatial information, amino acid conservation, physicochemical variation, residue mobility, and thermodynamic stability) indicates that this missense variant is not expected to disrupt MERTK protein function with a negative predictive value of 80%. In summary, the available evidence is currently insufficient to determine the role of this variant in disease. Therefore, it has been classified as a Variant of Uncertain Significance.